The following is an entry in ClinVar:

ClinVar aggregate classification (germline): Likely pathogenic (1 of 4 stars; one submission).

Submission:

Labcorp Genetics (formerly Invitae), Labcorp
Classification: Likely pathogenic. Last evaluated: 2023-11-07. Review status: criteria provided, single submitter. Criteria: Invitae Variant Classification Sherloc (09022015). Collection method: clinical testing. Allele origin: germline.
Comment: This sequence change affects a donor splice site in intron 4 of the SLC26A3 gene. It is expected to disrupt RNA splicing. Variants that disrupt the donor or acceptor splice site typically lead to a loss of protein function (PMID: 16199547), and loss-of-function variants in SLC26A3 are known to be pathogenic (PMID: 9718329, 21394828). This variant is not present in population databases (gnomAD no frequency). This variant has not been reported in the literature in individuals affected with SLC26A3-related conditions. Algorithms developed to predict the effect of sequence changes on RNA splicing suggest that this variant may disrupt the consensus splice site. In summary, the currently available evidence indicates that the variant is pathogenic, but additional data are needed to prove that conclusively. Therefore, this variant has been classified as Likely Pathogenic.

Literature cited by the submitters: PubMed 16199547; PubMed 9718329; PubMed 21394828.

NM_000111.3(SLC26A3):c.382+1G>A

Gene: SLC26A3 (solute carrier family 26 member 3; minus strand). Cytogenetic location: 7q22.3.
Variant type: single nucleotide variant.
Coding change: c.382+1G>A on transcript NM_000111.3 (MANE Select); the canonical splice donor site of the intron after coding-DNA position 382, G replaced by A.
Molecular consequence: splice donor variant.
Genome position (GRCh38, 1-based): chr7:107,791,829, C>T on the plus strand (G>A on the coding strand, the complement: SLC26A3 is on the minus strand). VCF-style: chr7-107791829-C-T. GRCh37 (hg19) VCF-style: chr7-107432274-C-T.
Identifiers: ClinVar variation 2694250 (VCV002694250.3), dbSNP rs2535474589, ClinGen allele CA368853811.